The following is an entry in ClinVar:

NM_003859.3(DPM1):c.763A>G (p.Thr255Ala)

Genes: ADNP-AS1 (ADNP antisense RNA 1; plus strand), DPM1 (dolichyl-phosphate mannosyltransferase subunit 1, catalytic; minus strand). Cytogenetic location: 20q13.13.
Variant type: single nucleotide variant.
Coding change: c.763A>G on transcript NM_003859.3 (MANE Select); coding-DNA position 763, A replaced by G.
Protein change: p.Thr255Ala; replaces threonine 255 with alanine.
Molecular consequence: missense variant. On other transcripts: non-coding transcript variant (1).
Genome position (GRCh38, 1-based): chr20:50,935,152, T>C on the plus strand (A>G on the coding strand, the complement: DPM1 is on the minus strand). VCF-style: chr20-50935152-T-C. GRCh37 (hg19) VCF-style: chr20-49551689-T-C.
Other names: c.868A>G, p.Thr290Ala (NM_001317034.1); c.844A>G, p.Thr282Ala (NM_001317035.1); c.694A>G, p.Thr232Ala (NM_001317036.1); short protein forms T255A, T282A, T232A, T290A.
Identifiers: ClinVar variation 650050 (VCV000650050.7), dbSNP rs748394583, ClinGen allele CA9908990.

ClinVar aggregate classification (germline): Uncertain significance. Review status: criteria provided, multiple submitters, no conflicts (2 of 4 stars). 2 submissions from 2 submitters: Uncertain significance (2). Last evaluated 2023-01-23.

Conditions:
Inborn genetic diseases. Identifiers: MedGen C0950123, MeSH D030342.
Congenital disorder of glycosylation type 1E (CDG1E). Also called: CDG Ie; CONGENITAL DISORDER OF GLYCOSYLATION, TYPE Ie. Identifiers: Orphanet 79322, MedGen C1837396, MONDO:0012123, OMIM 608799.

Allele frequency attached by ClinVar (database versions not stated): ExAC 0.00001; gnomAD 0.00001; gnomAD exomes 0.00001; TOPMed 0.00002.

Submissions (2):

Ambry Genetics
Classification: Uncertain significance for Inborn genetic diseases. Last evaluated: 2023-01-23. Review status: criteria provided, single submitter. Criteria: Ambry Variant Classification Scheme 2023. Collection method: clinical testing. Allele origin: germline.

Labcorp Genetics (formerly Invitae), Labcorp
Classification: Uncertain significance for Congenital disorder of glycosylation type 1E. Last evaluated: 2022-10-24. Review status: criteria provided, single submitter. Criteria: Invitae Variant Classification Sherloc (09022015). Collection method: clinical testing. Allele origin: germline.
Comment: This sequence change replaces threonine, which is neutral and polar, with alanine, which is neutral and non-polar, at codon 255 of the DPM1 protein (p.Thr255Ala). This variant is present in population databases (rs748394583, gnomAD 0.002%). This variant has not been reported in the literature in individuals affected with DPM1-related conditions. ClinVar contains an entry for this variant (Variation ID: 650050). Algorithms developed to predict the effect of missense changes on protein structure and function (SIFT, PolyPhen-2, Align-GVGD) all suggest that this variant is likely to be tolerated. In summary, the available evidence is currently insufficient to determine the role of this variant in disease. Therefore, it has been classified as a Variant of Uncertain Significance.